The following is an entry in ClinVar:

NM_152564.5(VPS13B):c.1664_1671del (p.Gln555fs)

Gene: VPS13B (vacuolar protein sorting 13 homolog B; plus strand). Cytogenetic location: 8q22.2.
Variant type: Deletion.
Coding change: c.1664_1671del on transcript NM_152564.5 (MANE Select); coding-DNA positions 1664 to 1671, 8 bases deleted (AACAAGAC; older notation c.1664_1671delAACAAGAC).
Protein change: p.Gln555fs; shifts the reading frame from glutamine 555.
Molecular consequence: frameshift variant.
Genome position (GRCh38, 1-based): chr8:99,142,986-99,142,993, AACAAGAC deleted; deleting any 8 consecutive bases within chr8:99,142,985-99,142,993 gives the same sequence; the c. name uses the placement nearest the transcript's 3' end. VCF-style (leftmost placement, unchanged base first): chr8-99142984-TCAACAAGA-T. GRCh37 (hg19) VCF-style: chr8-100155212-TCAACAAGA-T.
Other names: c.1664_1671del8 (NM_017890.4); c.1664_1671del, p.Gln555fs (NM_015243.3, NM_017890.5); short protein forms Q555fs.
Identifiers: ClinVar variation 371318 (VCV000371318.7), dbSNP rs1057517177, ClinGen allele CA16041226.

ClinVar aggregate classification (germline): Pathogenic/Likely pathogenic. Review status: criteria provided, multiple submitters, no conflicts (2 of 4 stars). 3 submissions from 3 submitters: Pathogenic (1); Likely pathogenic (1). 1 of the submissions does not count toward it. Last evaluated 2023-08-16.

Conditions:
VPS13B-related disorder. Also called: VPS13B-related condition.
Cohen syndrome (COH1). Also called: Cutis verticis gyrata, retinitis pigmentosa, and sensorineural deafness; PEPPER SYNDROME. Identifiers: Orphanet 193, MedGen C0265223, MONDO:0008999, OMIM 216550.

Submissions (3):

Labcorp Genetics (formerly Invitae), Labcorp
Classification: Pathogenic for Cohen syndrome. Last evaluated: 2023-08-16. Review status: criteria provided, single submitter. Criteria: Invitae Variant Classification Sherloc (09022015). Collection method: clinical testing. Allele origin: germline.
Comment: This variant is not present in population databases (gnomAD no frequency). This sequence change creates a premature translational stop signal (p.Gln555Leufs*7) in the VPS13B gene. It is expected to result in an absent or disrupted protein product. Loss-of-function variants in VPS13B are known to be pathogenic (PMID: 15141358, 16648375, 20461111). This variant has not been reported in the literature in individuals affected with VPS13B-related conditions. For these reasons, this variant has been classified as Pathogenic. ClinVar contains an entry for this variant (Variation ID: 371318).

Blueprint Genetics
Classification: Likely pathogenic for VPS13B-related disorders. Last evaluated: 2017-10-19. Review status: criteria provided, single submitter. Criteria: ACMG Guidelines, 2015. Collection method: clinical testing. Allele origin: germline. Affected: yes. Observed: 1 variant allele.

Counsyl
Classification: Likely pathogenic for Cohen syndrome. Last evaluated: 2016-08-26. Review status: no assertion criteria provided. Collection method: clinical testing. Allele origin: unknown. Not counted in ClinVar's aggregate classification.

Literature cited by the submitters: PubMed 15141358 (cited by Labcorp Genetics (formerly Invitae), Labcorp); PubMed 16648375 (cited by Labcorp Genetics (formerly Invitae), Labcorp); PubMed 20461111 (cited by Labcorp Genetics (formerly Invitae), Labcorp).